The following is an entry in ClinVar:

NM_001130004.2(ACTN1):c.1564AAC[1] (p.Asn523del)

Gene: ACTN1 (actinin alpha 1; minus strand). Cytogenetic location: 14q24.1.
Variant type: Microsatellite.
Coding change: c.1564AAC[1] on transcript NM_001130004.2 (MANE Select); one copy of the 3-base unit AAC starting at c.1564; the reference has two copies in a row; one copy, 3 bases deleted.
Protein change: p.Asn523del; deletes asparagine 523.
Molecular consequence: inframe deletion.
Genome position (GRCh38, 1-based): chr14:68,884,234-68,884,236, GTT deleted on the plus strand (AAC on the coding strand, the reverse complement: ACTN1 is on the minus strand); deleting any 3 consecutive bases within chr14:68,884,234-68,884,240 gives the same sequence; the position shown is the placement nearest the transcript's 3' end. VCF-style (leftmost placement, unchanged base first): chr14-68884233-AGTT-A. GRCh37 (hg19) VCF-style: chr14-69350950-AGTT-A.
Other names: c.1564AAC[1], p.Asn523del (NM_001102.4, NM_001130005.2, NM_001424012.1 and 7 more transcripts); c.1588AAC[1], p.Asn531del (NM_001411035.1, NM_001424016.1); c.1369AAC[1], p.Asn458del (NM_001411036.1, NM_001424026.1, NM_001424028.1); c.1690AAC[1], p.Asn565del (NM_001424013.1); c.1651AAC[1], p.Asn552del (NM_001424015.1); c.1561AAC[1], p.Asn522del (NM_001424017.1); c.1525AAC[1], p.Asn510del (NM_001424018.1); c.1501AAC[1], p.Asn502del (NM_001424020.1, NM_001424022.1); and 2 more; short protein forms N248del, N565del, N458del, N500del, N522del, N552del, N510del, N531del.
Identifiers: ClinVar variation 2707954 (VCV002707954.3), dbSNP rs2503256762, ClinGen allele CA2697553973.

ClinVar aggregate classification (germline): Uncertain significance (1 of 4 stars; one submission).

Submission:

Labcorp Genetics (formerly Invitae), Labcorp
Classification: Uncertain significance. Last evaluated: 2024-06-12. Review status: criteria provided, single submitter. Criteria: Invitae Variant Classification Sherloc (09022015). Collection method: clinical testing. Allele origin: germline.
Comment: This variant, c.1567_1569del, results in the deletion of 1 amino acid(s) of the ACTN1 protein (p.Asn523del), but otherwise preserves the integrity of the reading frame. This variant is not present in population databases (gnomAD no frequency). This variant has not been reported in the literature in individuals affected with ACTN1-related conditions. Experimental studies and prediction algorithms are not available or were not evaluated, and the functional significance of this variant is currently unknown. In summary, the available evidence is currently insufficient to determine the role of this variant in disease. Therefore, it has been classified as a Variant of Uncertain Significance.